The following is an entry in ClinVar:

ClinVar aggregate classification (germline): Uncertain significance (1 of 4 stars; one submission).

Allele frequency attached by ClinVar (database versions not stated): gnomAD 0.00001; TOPMed 0.00001; gnomAD exomes 0.00002; ExAC 0.00005.
gnomAD v4.1: 31 of 1,612,976 alleles (0.0019%); highest among the groups gnomAD compares: Non-Finnish European, 0.0025%; no homozygotes.

Submission:

Labcorp Genetics (formerly Invitae), Labcorp
Classification: Uncertain significance. Last evaluated: 2023-10-22. Review status: criteria provided, single submitter. Criteria: Invitae Variant Classification Sherloc (09022015). Collection method: clinical testing. Allele origin: germline.
Comment: This sequence change replaces glycine, which is neutral and non-polar, with serine, which is neutral and polar, at codon 369 of the ADSSL1 protein (p.Gly369Ser). This variant is present in population databases (rs775356692, gnomAD 0.004%). This variant has not been reported in the literature in individuals affected with ADSSL1-related conditions. ClinVar contains an entry for this variant (Variation ID: 1681992). An algorithm developed to predict the effect of missense changes on protein structure and function (PolyPhen-2) suggests that this variant is likely to be disruptive. In summary, the available evidence is currently insufficient to determine the role of this variant in disease. Therefore, it has been classified as a Variant of Uncertain Significance.

NM_152328.5(ADSS1):c.976G>A (p.Gly326Ser)

Gene: ADSS1 (adenylosuccinate synthase 1; plus strand). Cytogenetic location: 14q32.33.
Variant type: single nucleotide variant.
Coding change: c.976G>A on transcript NM_152328.5 (MANE Select); coding-DNA position 976, G replaced by A.
Protein change: p.Gly326Ser; replaces glycine 326 with serine.
Molecular consequence: missense variant.
Genome position (GRCh38, 1-based): chr14:104,743,094, G>A. VCF-style: chr14-104743094-G-A. GRCh37 (hg19) VCF-style: chr14-105209431-G-A.
Other names: c.361G>A, p.Gly121Ser (NM_001320424.1); c.1105G>A, p.Gly369Ser (NM_199165.2); short protein forms G121S, G326S, G369S.
Identifiers: ClinVar variation 1681992 (VCV001681992.5), dbSNP rs775356692, ClinGen allele CA7373964.
Genomic context (GRCh38, chr14:104,743,094, plus strand): 5'-AGCTCACATGACGTCCTCCCTGTTCTCATGTAGGAGATTGGAGGCCTGCTGCAGACCCGC[G>A]GCCACGAGTGGGGAGTGACCACAGGCAGGAAGAGGCGCTGCGGCTGGCTCGACCTGATGA-3'
Protein context (NP_689541.1, residues 316-336): NEIGGLLQTR[Gly326Ser]HEWGVTTGRK